The following is an entry in ClinVar:

ClinVar aggregate classification (germline): Uncertain significance (1 of 4 stars; one submission).

Submission:

Labcorp Genetics (formerly Invitae), Labcorp
Classification: Uncertain significance. Last evaluated: 2025-08-18. Review status: criteria provided, single submitter. Criteria: Invitae Variant Classification Sherloc (09022015). Collection method: clinical testing. Allele origin: germline.
Comment: This sequence change is expected to alter the c-terminus of the NDUFS8 protein (p.Asn202Thrfs*?). While this is not anticipated to result in nonsense mediated decay, it is expected to disrupt the last 9 amino acid(s) of the NDUFS8 protein and extend the protein by an uncertain number of additional amino acid residues. This variant is not present in population databases (gnomAD no frequency). This variant has not been reported in the literature in individuals affected with NDUFS8-related conditions. ClinVar contains an entry for this variant (Variation ID: 2109168). Experimental studies and prediction algorithms are not available or were not evaluated, and the functional significance of this variant is currently unknown. In summary, the available evidence is currently insufficient to determine the role of this variant in disease. Therefore, it has been classified as a Variant of Uncertain Significance.

NM_002496.4(NDUFS8):c.605del (p.Asn202fs)

Gene: NDUFS8 (NADH:ubiquinone oxidoreductase core subunit S8; plus strand). Cytogenetic location: 11q13.2.
Variant type: Deletion.
Coding change: c.605del on transcript NM_002496.4 (MANE Select); coding-DNA position 605, one base deleted (A; older notation c.605delA).
Protein change: p.Asn202fs; shifts the reading frame from asparagine 202.
Molecular consequence: frameshift variant.
Genome position (GRCh38, 1-based): chr11:68,036,565, A deleted; the last of 2 consecutive A bases (chr11:68,036,564-68,036,565); deleting either gives the same sequence. VCF-style (leftmost placement, unchanged base first): chr11-68036563-CA-C. GRCh37 (hg19) VCF-style: chr11-67804030-CA-C.
Other names: short protein forms N202fs.
Identifiers: ClinVar variation 2109168 (VCV002109168.4), dbSNP rs2495588567, ClinGen allele CA2574899200.